The following is an entry in ClinVar:

NM_019098.5(CNGB3):c.254del (p.Asn85fs)

Gene: CNGB3 (cyclic nucleotide gated channel subunit beta 3; minus strand). Cytogenetic location: 8q21.3.
Variant type: Deletion.
Coding change: c.254del on transcript NM_019098.5 (MANE Select); coding-DNA position 254, one base deleted (A; older notation c.254delA).
Protein change: p.Asn85fs; shifts the reading frame from asparagine 85.
Molecular consequence: frameshift variant.
Genome position (GRCh38, 1-based): chr8:86,726,615, T deleted on the plus strand (A on the coding strand, the reverse complement: CNGB3 is on the minus strand); the first of 3 consecutive T bases (chr8:86,726,615-86,726,617); deleting any one gives the same sequence. VCF-style (leftmost placement, unchanged base first): chr8-86726614-GT-G. GRCh37 (hg19) VCF-style: chr8-87738842-GT-G.
Other names: short protein forms N85fs.
Identifiers: ClinVar variation 5013996 (VCV005013996.1).

ClinVar aggregate classification (germline): Pathogenic (1 of 4 stars; one submission).

Conditions:
Achromatopsia 3 (ACHM3). Also called: ACHROMATOPSIA WITH MYOPIA; PINGELAPESE BLINDNESS; TOTAL COLORBLINDNESS WITH MYOPIA; ROD MONOCHROMACY 1; ROD MONOCHROMATISM 1. Identifiers: Orphanet 49382, MedGen C1849792, MONDO:0009875, OMIM 262300.

Submission:

Myriad Genetics, Inc.
Classification: Pathogenic for Achromatopsia 3. Last evaluated: 2025-01-21. Review status: criteria provided, single submitter. Criteria: Myriad Autosomal Dominant, Autosomal Recessive and X-Linked Classification Criteria (2023). Collection method: clinical testing. Allele origin: unknown.
Comment: NM_019098.4(CNGB3):c.254delA(N85Tfs*40) is expected to be pathogenic in the context of achromatopsia, CNGB3-related. This variant is predicted to lead to an abnormal or absent protein product due to the creation of a premature termination codon in CNGB3, a gene where loss-of-function variants are known to be pathogenic. Please note: this variant was assessed in the context of healthy population screening.